The following is an entry in ClinVar:

NM_001206927.2(DNAH8):c.6661_6662insTTTTTTTTTTTTTTTTTTTTNNNNNNNNNNCCTGACCTCATGATCCACCCGCCTCGGCCTCCCAAAGTGCTGGGATTACAGGCGTGAGCCACCGCGCCCGGCAAATTTTACGTTCTTT (p.Tyr2221delinsPhePhePhePhePhePhePheXaaXaaXaaXaaTer)

Gene: DNAH8 (dynein axonemal heavy chain 8; plus strand). Cytogenetic location: 6p21.2.
Variant type: Insertion.
Coding change: c.6661_6662insTTTTTTTTTTTTTTTTTTTTNNNNNNNNNNCCTGACCTCATGATCCACCCGCCTCGGCCTCCCAAAGTGCTGGGATTACAGGCGTGAGCCACCGCGCCCGGCAAATTTTACGTTCTTT on transcript NM_001206927.2 (MANE Select); coding-DNA positions 6661 to 6662, TTTTTTTTTTTTTTTTTTTTNNNNNNNNNNCCTGACCTCATGATCCACCCGCCTCGGCCTCCCAAAGTGCTGGGATTACAGGCGTGAGCCACCGCGCCCGGCAAATTTTACGTTCTTT inserted.
Protein change: p.Tyr2221delinsPhePhePhePhePhePhePheXaaXaaXaaXaaTer.
Molecular consequence: nonsense.
Genome position: GRCh38: chr6:38,866,844-38,866,845. GRCh37 (hg19): chr6:38,834,620-38,834,621.
Other names: c.6010_6011insTTTTTTTTTTTTTTTTTTTTNNNNNNNNNNCCTGACCTCATGATCCACCCGCCTCGGCCTCCCAAAGTGCTGGGATTACAGGCGTGAGCCACCGCGCCCGGCAAATTTTACGTTCTTT, p.Tyr2004delinsPhePhePhePhePhePhePheXaaXaaXaaXaaTer (NM_001371.4).
Identifiers: ClinVar variation 4711855 (VCV004711855.1).

ClinVar aggregate classification (germline): Pathogenic (1 of 4 stars; one submission).

Conditions:
Primary ciliary dyskinesia. Also called: Ciliary dyskinesia. Identifiers: Orphanet 244, MedGen C0008780, MONDO:0016575, HP:0012265.

Submission:

Labcorp Genetics (formerly Invitae), Labcorp
Classification: Pathogenic for Primary ciliary dyskinesia. Last evaluated: 2025-01-23. Review status: criteria provided, single submitter. Criteria: Invitae Variant Classification Sherloc (09022015). Collection method: clinical testing. Allele origin: germline.
Comment: This sequence change inserts a large fragment of DNA, likely a transposable element, in exon 47 of the DNAH8 gene (c.6661_6662ins?), causing a frameshift at codon 2221 (p.Tyr2221fs). The exact size and sequence of the insertion cannot be determined by the current assay. However, the insertion is expected to result in an absent or disrupted protein product. This variant is not present in population databases (gnomAD no frequency). This variant has not been reported in the literature in individuals affected with DNAH8-related conditions. Retrotransposon insertions including LINE1 (L1), Alu, and SVA (SINE-VNTR-Alu) have been reported to be disease-causing through disruption of either a coding region or splice site (PMID: 19763152, 20307669, 22406018) and loss-of-function variants in DNAH8 are known to be pathogenic (PMID: 24307375, 32619401, 32681648). For these reasons, this variant has been classified as Pathogenic.

Literature cited by the submitters: PubMed 19763152; PubMed 20307669; PubMed 22406018; PubMed 24307375; PubMed 32619401; PubMed 32681648.